The following is an entry in ClinVar:

ClinVar aggregate classification (germline): Pathogenic (1 of 4 stars; one submission).

Conditions:
Marfan syndrome (MFS). Also called: Marfan syndrome type 1; Marfan's syndrome; FBN1-Related Marfan Syndrome; MARFAN SYNDROME, TYPE I; Marfan syndrome, classic. Identifiers: Orphanet 284963, Orphanet 558, MedGen C0024796, MONDO:0007947, OMIM 154700.
Familial thoracic aortic aneurysm and aortic dissection (TAAD). Also called: Thoracic aortic aneurysms and dissections. Identifiers: Orphanet 91387, MedGen C4707243, MONDO:0019625.

Submission:

Labcorp Genetics (formerly Invitae), Labcorp
Classification: Pathogenic for Marfan syndrome; Familial thoracic aortic aneurysm and aortic dissection. Last evaluated: 2022-09-01. Review status: criteria provided, single submitter. Criteria: Invitae Variant Classification Sherloc (09022015). Collection method: clinical testing. Allele origin: germline.
Comment: This variant is not present in population databases (gnomAD no frequency). This sequence change creates a premature translational stop signal (p.Cys830Tyrfs*16) in the FBN1 gene. It is expected to result in an absent or disrupted protein product. Loss-of-function variants in FBN1 are known to be pathogenic (PMID: 17657824, 19293843). This variant has not been reported in the literature in individuals affected with FBN1-related conditions. For these reasons, this variant has been classified as Pathogenic. ClinVar contains an entry for this variant (Variation ID: 1396656).

Literature cited by the submitters: PubMed 17657824; PubMed 19293843.

NM_000138.5(FBN1):c.2489_2492del (p.Cys830fs)

Gene: FBN1 (fibrillin 1; minus strand). Cytogenetic location: 15q21.1.
Variant type: Deletion.
Coding change: c.2489_2492del on transcript NM_000138.5 (MANE Select); coding-DNA positions 2489 to 2492, 4 bases deleted (GTGA; older notation c.2489_2492delGTGA).
Protein change: p.Cys830fs; shifts the reading frame from cysteine 830.
Molecular consequence: frameshift variant.
Genome position (GRCh38, 1-based): chr15:48,495,516-48,495,519, TCAC deleted on the plus strand (GTGA on the coding strand, the reverse complement: FBN1 is on the minus strand). VCF-style (leftmost placement, unchanged base first): chr15-48495515-TTCAC-T. GRCh37 (hg19) VCF-style: chr15-48787712-TTCAC-T.
Other names: short protein forms C830fs.
Identifiers: ClinVar variation 1396656 (VCV001396656.6), dbSNP rs2141304207, ClinGen allele CA2573150814.